The following is an entry in ClinVar:

NC_000008.10:g.(?_90958358)_(90996789_?)dup

Gene: NBN (nibrin; minus strand). Cytogenetic location: 8q21.3.
Variant type: Duplication.
Identifiers: ClinVar variation 1360005 (VCV001360005.5).

ClinVar aggregate classification (germline): Uncertain significance (1 of 4 stars; one submission).

Conditions:
Microcephaly, normal intelligence and immunodeficiency (NBS). Also called: IMMUNODEFICIENCY, MICROCEPHALY, AND CHROMOSOMAL INSTABILITY; Immunodeficiency, microcephaly with normal intelligence; SEEMANOVA SYNDROME II; Ataxia telangiectasia variant V1; Microcephaly with normal intelligence immunodeficiency and lymphoreticular malignancies; Nonsyndromal microcephaly autosomal recessive with normal intelligence. Identifiers: Orphanet 647, MedGen C0398791, MONDO:0009623, OMIM 251260.

Submission:

Labcorp Genetics (formerly Invitae), Labcorp
Classification: Uncertain significance for Microcephaly, normal intelligence and immunodeficiency. Last evaluated: 2023-06-25. Review status: criteria provided, single submitter. Criteria: Invitae Variant Classification Sherloc (09022015). Collection method: clinical testing. Allele origin: germline.
Comment: In summary, the available evidence is currently insufficient to determine the role of this variant in disease. Therefore, it has been classified as a Variant of Uncertain Significance. This variant has not been reported in the literature in individuals affected with NBN-related conditions. This variant results in a copy number gain of the genomic region encompassing exon(s) 1-13 of the NBN gene. This region includes the initiator codon of the gene. This copy number gain extends beyond the assayed region for this gene and therefore may encompass additional genes. As the precise location of this event is unknown, it may be in tandem or it may be located elsewhere in the genome.